The following is an entry in ClinVar:

NM_022437.3(ABCG8):c.1429A>G (p.Met477Val)

Gene: ABCG8 (ATP binding cassette subfamily G member 8; plus strand). Cytogenetic location: 2p21.
Variant type: single nucleotide variant.
Coding change: c.1429A>G on transcript NM_022437.3 (MANE Select); coding-DNA position 1429, A replaced by G.
Protein change: p.Met477Val; replaces methionine 477 with valine.
Molecular consequence: missense variant.
Genome position (GRCh38, 1-based): chr2:43,874,424, A>G. VCF-style: chr2-43874424-A-G. GRCh37 (hg19) VCF-style: chr2-44101563-A-G.
Other names: c.1426A>G, p.Met476Val (NM_001357321.2); c.1429A>G (NM_022437.2); short protein forms M477V, M476V.
Identifiers: ClinVar variation 498708 (VCV000498708.11), dbSNP rs373012474, ClinGen allele CA1637451.

ClinVar aggregate classification (germline): Uncertain significance. Review status: criteria provided, multiple submitters, no conflicts (2 of 4 stars). 3 submissions from 3 submitters: Uncertain significance (3). Last evaluated 2024-11-30.

Conditions:
Cardiovascular phenotype. Identifiers: MedGen CN230736.

Allele frequency attached by ClinVar (database versions not stated): gnomAD exomes below 0.00001; ExAC 0.00001; gnomAD 0.00001; TOPMed 0.00001; ESP Exome Variant Server 0.00008.
gnomAD v4.1: 10 of 1,612,978 alleles (0.00062%); highest among the groups gnomAD compares: Non-Finnish European, 0.00076%; no homozygotes.

Submissions (3):

Ambry Genetics
Classification: Uncertain significance for Cardiovascular phenotype. Last evaluated: 2024-11-30. Review status: criteria provided, single submitter. Criteria: Ambry Variant Classification Scheme 2023. Collection method: clinical testing. Allele origin: germline.
Comment: The p.M477V variant (also known as c.1429A>G), located in coding exon 10 of the ABCG8 gene, results from an A to G substitution at nucleotide position 1429. The methionine at codon 477 is replaced by valine, an amino acid with highly similar properties. This amino acid position is conserved. In addition, this alteration is predicted to be tolerated by in silico analysis. Based on the available evidence, the clinical significance of this variant remains unclear.

Labcorp Genetics (formerly Invitae), Labcorp
Classification: Uncertain significance. Last evaluated: 2022-08-21. Review status: criteria provided, single submitter. Criteria: Invitae Variant Classification Sherloc (09022015). Collection method: clinical testing. Allele origin: germline.
Comment: This variant has not been reported in the literature in individuals affected with ABCG8-related conditions. This variant is present in population databases (rs373012474, gnomAD 0.0009%). This sequence change replaces methionine, which is neutral and non-polar, with valine, which is neutral and non-polar, at codon 477 of the ABCG8 protein (p.Met477Val). ClinVar contains an entry for this variant (Variation ID: 498708). In summary, the available evidence is currently insufficient to determine the role of this variant in disease. Therefore, it has been classified as a Variant of Uncertain Significance. Algorithms developed to predict the effect of missense changes on protein structure and function are either unavailable or do not agree on the potential impact of this missense change (SIFT: "Deleterious"; PolyPhen-2: "Benign"; Align-GVGD: "Class C0").

Eurofins Ntd Llc (ga)
Classification: Uncertain significance. Last evaluated: 2016-11-17. Review status: criteria provided, single submitter. Criteria: EGL Classification Definitions 2015. Collection method: clinical testing. Allele origin: germline. Observed: 1 variant allele, 1 heterozygote.